The following is an entry in ClinVar:

NM_147127.5(EVC2):c.3251T>A (p.Leu1084Ter)

Gene: EVC2 (EvC ciliary complex subunit 2; minus strand). Cytogenetic location: 4p16.2.
Variant type: single nucleotide variant.
Coding change: c.3251T>A on transcript NM_147127.5 (MANE Select); coding-DNA position 3251, T replaced by A.
Protein change: p.Leu1084Ter; replaces leucine 1084 with a stop codon.
Molecular consequence: nonsense.
Genome position (GRCh38, 1-based): chr4:5,576,261, A>T on the plus strand (T>A on the coding strand, the complement: EVC2 is on the minus strand). VCF-style: chr4-5576261-A-T. GRCh37 (hg19) VCF-style: chr4-5577988-A-T.
Other names: c.3011T>A, p.Leu1004Ter (NM_001166136.2); short protein forms L1004*, L1084*.
Identifiers: ClinVar variation 1939326 (VCV001939326.3), dbSNP rs755880828, ClinGen allele CA2834404.

ClinVar aggregate classification (germline): Pathogenic (1 of 4 stars; one submission).

Conditions:
Ellis-van Creveld syndrome (EVC). Also called: EVC-Related Ellis-van Creveld Syndrome; EVC2-Related Ellis-van Creveld Syndrome; Chondroectodermal dysplasia; MESOECTODERMAL DYSPLASIA. Identifiers: Orphanet 289, MedGen C0013903, MONDO:0009162, OMIM 225500.
Curry-Hall syndrome (WAD). Also called: WEYERS ACRODENTAL DYSOSTOSIS. Identifiers: Orphanet 952, MedGen C0457013, MONDO:0008673, OMIM 193530.

Allele frequency attached by ClinVar (database versions not stated): TOPMed 0.00001; gnomAD exomes 0.00002; ExAC 0.00003.
gnomAD v4.1: 11 of 1,614,154 alleles (0.00068%); highest among the groups gnomAD compares: Non-Finnish European, 0.00093%; no homozygotes.

Submission:

Labcorp Genetics (formerly Invitae), Labcorp
Classification: Pathogenic for Curry-Hall syndrome; Ellis-van Creveld syndrome. Last evaluated: 2022-12-27. Review status: criteria provided, single submitter. Criteria: Invitae Variant Classification Sherloc (09022015). Collection method: clinical testing. Allele origin: germline.
Comment: This sequence change creates a premature translational stop signal (p.Leu1084*) in the EVC2 gene. It is expected to result in an absent or disrupted protein product. Loss-of-function variants in EVC2 are known to be pathogenic (PMID: 17024374, 19810119, 19876929). For these reasons, this variant has been classified as Pathogenic. This variant has not been reported in the literature in individuals affected with EVC2-related conditions. This variant is present in population databases (rs755880828, gnomAD 0.004%).

Literature cited by the submitters: PubMed 17024374; PubMed 19810119; PubMed 19876929.